The following is an entry in ClinVar:

NM_022051.3(EGLN1):c.404G>A (p.Gly135Asp)

Gene: EGLN1 (egl-9 family hypoxia inducible factor 1; minus strand). Cytogenetic location: 1q42.2.
Variant type: single nucleotide variant.
Coding change: c.404G>A on transcript NM_022051.3 (MANE Select); coding-DNA position 404, G replaced by A.
Protein change: p.Gly135Asp; replaces glycine 135 with aspartic acid.
Molecular consequence: missense variant.
Genome position (GRCh38, 1-based): chr1:231,421,485, C>T on the plus strand (G>A on the coding strand, the complement: EGLN1 is on the minus strand). VCF-style: chr1-231421485-C-T. GRCh37 (hg19) VCF-style: chr1-231557231-C-T.
Other names: c.404G>A, p.Gly135Asp (NM_001377260.1, NM_001377261.1); short protein forms G135D.
Identifiers: ClinVar variation 1424930 (VCV001424930.8), dbSNP rs1176313181, ClinGen allele CA345237215.

ClinVar aggregate classification (germline): Uncertain significance (1 of 4 stars; one submission).

Conditions:
Erythrocytosis, familial, 3 (ECYT3). Identifiers: Orphanet 247511, MedGen C1853286, MONDO:0012353, OMIM 609820.

Allele frequency attached by ClinVar (database versions not stated): gnomAD exomes 0.00001.
gnomAD v4.1: 3 of 1,358,980 alleles (0.00022%); highest among the groups gnomAD compares: East Asian, 0.006%; no homozygotes.

Submission:

Labcorp Genetics (formerly Invitae), Labcorp
Classification: Uncertain significance for Erythrocytosis, familial, 3. Last evaluated: 2020-11-14. Review status: criteria provided, single submitter. Criteria: Invitae Variant Classification Sherloc (09022015). Collection method: clinical testing. Allele origin: germline.
Comment: This sequence change replaces glycine with aspartic acid at codon 135 of the EGLN1 protein (p.Gly135Asp). The glycine residue is weakly conserved and there is a moderate physicochemical difference between glycine and aspartic acid. The frequency data for this variant in the population databases is considered unreliable, as metrics indicate insufficient coverage at this position in the ExAC database. This variant has not been reported in the literature in individuals with EGLN1-related conditions. Algorithms developed to predict the effect of missense changes on protein structure and function are either unavailable or do not agree on the potential impact of this missense change (SIFT: "Tolerated"; PolyPhen-2: "Probably Damaging"; Align-GVGD: "Class C0"). In summary, the available evidence is currently insufficient to determine the role of this variant in disease. Therefore, it has been classified as a Variant of Uncertain Significance.